The following is an entry in ClinVar:

ClinVar aggregate classification (germline): Benign. Review status: criteria provided, multiple submitters, no conflicts (2 of 4 stars). 2 submissions from 2 submitters: Benign (2). Last evaluated 2018-06-16.

Allele frequency attached by ClinVar (database versions not stated): 1000 Genomes Project 0.12740; 1000 Genomes Project 30x 0.12992; TOPMed 0.15925; gnomAD exomes 0.16033; gnomAD 0.16322 and 0.16794; ESP Exome Variant Server 0.18018.
gnomAD v4.1: 256,232 of 1,600,680 alleles (16%); highest among the groups gnomAD compares: African/African-American, 19%; 21,780 homozygotes.

Submissions (2):

GeneDx
Classification: Benign. Last evaluated: 2018-06-16. Review status: criteria provided, single submitter. Criteria: GeneDx Variant Classification (06012015). Collection method: clinical testing. Allele origin: germline. Affected: yes.
Comment: This variant is considered likely benign or benign based on one or more of the following criteria: it is a conservative change, it occurs at a poorly conserved position in the protein, it is predicted to be benign by multiple in silico algorithms, and/or has population frequency not consistent with disease.

Breakthrough Genomics
Classification: Benign. Review status: criteria provided, single submitter. Criteria: ACMG Guidelines, 2015. Collection method: not provided. Allele origin: germline. Inheritance: Autosomal recessive inheritance. Affected: yes.

NM_001853.4(COL9A3):c.1009-67G>A

Gene: COL9A3 (collagen type IX alpha 3 chain; plus strand). Cytogenetic location: 20q13.33.
Variant type: single nucleotide variant.
Coding change: c.1009-67G>A on transcript NM_001853.4 (MANE Select); 67 bases into the intron before coding-DNA position 1009, G replaced by A.
Molecular consequence: intron variant.
Genome position (GRCh38, 1-based): chr20:62,829,388, G>A. VCF-style: chr20-62829388-G-A. GRCh37 (hg19) VCF-style: chr20-61460740-G-A.
Identifiers: ClinVar variation 675069 (VCV000675069.2), dbSNP rs2294991, ClinGen allele CA14765347.